The following is an entry in ClinVar:

ClinVar aggregate classification (germline): Uncertain significance (1 of 4 stars; one submission).

Conditions:
Gingival disorder. Also called: Gingival disease. Identifiers: MedGen C0017563, MONDO:0002021.

gnomAD v4.1: 2 of 1,614,102 alleles (0.00012%); highest among the groups gnomAD compares: South Asian, 0.0011%; no homozygotes.

Submission:

Labcorp Genetics (formerly Invitae), Labcorp
Classification: Uncertain significance for Gingival disorder. Last evaluated: 2025-10-16. Review status: criteria provided, single submitter. Criteria: Invitae Variant Classification Sherloc (09022015). Collection method: clinical testing. Allele origin: germline.
Comment: This sequence change replaces alanine, which is neutral and non-polar, with threonine, which is neutral and polar, at codon 68 of the FPR1 protein (p.Ala68Thr). This variant is not present in population databases (gnomAD no frequency). This variant has not been reported in the literature in individuals affected with FPR1-related conditions. An algorithm developed to predict the effect of missense changes on protein structure and function (PolyPhen-2) suggests that this variant is likely to be disruptive. In summary, the available evidence is currently insufficient to determine the role of this variant in disease. Therefore, it has been classified as a Variant of Uncertain Significance.

NM_002029.4(FPR1):c.202G>A (p.Ala68Thr)

Gene: FPR1 (formyl peptide receptor 1; minus strand). Cytogenetic location: 19q13.41.
Variant type: single nucleotide variant.
Coding change: c.202G>A on transcript NM_002029.4 (MANE Select); coding-DNA position 202, G replaced by A.
Protein change: p.Ala68Thr; replaces alanine 68 with threonine.
Molecular consequence: missense variant.
Genome position (GRCh38, 1-based): chr19:51,746,793, C>T on the plus strand (G>A on the coding strand, the complement: FPR1 is on the minus strand). VCF-style: chr19-51746793-C-T. GRCh37 (hg19) VCF-style: chr19-52250046-C-T.
Other names: c.202G>A, p.Ala68Thr (NM_001193306.2); short protein forms A68T.
Identifiers: ClinVar variation 4764549 (VCV004764549.1).